The following is an entry in ClinVar:

NM_006060.6(IKZF1):c.161-8455C>T

Gene: IKZF1 (IKAROS family zinc finger 1; plus strand). Cytogenetic location: 7p12.2.
Variant type: single nucleotide variant.
Coding change: c.161-8455C>T on transcript NM_006060.6 (MANE Select); 8455 bases into the intron before coding-DNA position 161, C replaced by T.
Molecular consequence: intron variant. On other transcripts: missense variant (1).
Genome position (GRCh38, 1-based): chr7:50,368,078, C>T. VCF-style: chr7-50368078-C-T. GRCh37 (hg19) VCF-style: chr7-50435776-C-T.
Other names: c.233C>T, p.Pro78Leu (NM_001291845.2); c.161-14462C>T (NM_001291839.2, NM_001220767.2, NM_001220770.2 and 1 more transcripts); c.220+13C>T (NM_001291847.2, NM_001291846.2); c.161-8455C>T (NM_001220768.2, NM_001220771.2, NM_001220765.3 and 1 more transcripts); c.161-19267C>T (NM_001291841.1, NM_001291842.1); c.161-23651C>T (NM_001291843.1, NM_001291844.1); c.161-31840C>T (NM_001291840.1); short protein forms P78L.
Identifiers: ClinVar variation 1690869 (VCV001690869.2), dbSNP rs536336375, ClinGen allele CA158208015.

ClinVar aggregate classification (germline): Uncertain significance (1 of 4 stars; one submission).

Allele frequency attached by ClinVar (database versions not stated): gnomAD 0.00001; 1000 Genomes Project 30x 0.00016; 1000 Genomes Project 0.00020.
gnomAD v4.1: 1 of 703,094 alleles (0.00014%); highest among the groups gnomAD compares: Admixed American, 0.002%; no homozygotes.

Submission:

Laboratorio de Genetica e Diagnostico Molecular, Hospital Israelita Albert Einstein
Classification: Uncertain significance. Last evaluated: 2020-01-22. Review status: criteria provided, single submitter. Criteria: ACMG Guidelines, 2015. Collection method: clinical testing. Allele origin: germline. Affected: yes.
Comment: ACMG classification criteria: PM2, PP2, BP4